The following is an entry in ClinVar:

ClinVar aggregate classification (germline): Pathogenic. Review status: criteria provided, multiple submitters, no conflicts (2 of 4 stars). 2 submissions from 2 submitters: Pathogenic (2). Last evaluated 2022-07-17.

Conditions:
Ataxia - intellectual disability - oculomotor apraxia - cerebellar cysts syndrome. Also called: Poretti-Boltshauser syndrome. Identifiers: Orphanet 370022, MedGen C4014821, MONDO:0014419, OMIM 615960.

Allele frequency attached by ClinVar (database versions not stated): gnomAD exomes below 0.00001; TOPMed below 0.00001.
gnomAD v4.1: 1 of 1,613,974 alleles (0.000062%); highest among the groups gnomAD compares: Admixed American, 0.0017%; no homozygotes.

Submissions (2):

Labcorp Genetics (formerly Invitae), Labcorp
Classification: Pathogenic. Last evaluated: 2022-07-17. Review status: criteria provided, single submitter. Criteria: Invitae Variant Classification Sherloc (09022015). Collection method: clinical testing. Allele origin: germline.
Comment: This variant has not been reported in the literature in individuals affected with LAMA1-related conditions. This variant is present in population databases (no rsID available, gnomAD 0.003%). This sequence change creates a premature translational stop signal (p.Gln1803*) in the LAMA1 gene. It is expected to result in an absent or disrupted protein product. Loss-of-function variants in LAMA1 are known to be pathogenic (PMID: 25105227, 26932191). ClinVar contains an entry for this variant (Variation ID: 584439). For these reasons, this variant has been classified as Pathogenic.

Undiagnosed Diseases Network, NIH
Classification: Pathogenic for Ataxia - intellectual disability - oculomotor apraxia - cerebellar cysts syndrome. Last evaluated: 2018-04-29. Review status: criteria provided, single submitter. Criteria: ACMG Guidelines, 2015. Collection method: clinical testing. Allele origin: inherited. Inheritance: Autosomal recessive inheritance. Affected: yes. Observed: 1 variant allele, 1 homozygote. Study: Undiagnosed Diseases Network (NIH), UDN.

Literature cited by the submitters: PubMed 25105227 (cited by Labcorp Genetics (formerly Invitae), Labcorp); PubMed 26932191 (cited by Labcorp Genetics (formerly Invitae), Labcorp).

NM_005559.4(LAMA1):c.5407C>T (p.Gln1803Ter)

Gene: LAMA1 (laminin subunit alpha 1; minus strand). Cytogenetic location: 18p11.31.
Variant type: single nucleotide variant.
Coding change: c.5407C>T on transcript NM_005559.4 (MANE Select); coding-DNA position 5407, C replaced by T.
Protein change: p.Gln1803Ter; replaces glutamine 1803 with a stop codon.
Molecular consequence: nonsense.
Genome position (GRCh38, 1-based): chr18:6,985,616, G>A on the plus strand (C>T on the coding strand, the complement: LAMA1 is on the minus strand). VCF-style: chr18-6985616-G-A. GRCh37 (hg19) VCF-style: chr18-6985615-G-A.
Other names: short protein forms Q1803*.
Identifiers: ClinVar variation 584439 (VCV000584439.7), dbSNP rs1568019012, ClinGen allele CA401838106.
Genomic context (GRCh38, chr18:6,985,616, plus strand): 5'-GTGCAGCAGCAGCATCTATCAATCCTCTTCCTTGGACAATGAGCTCTGAGGTCAGATTTT[G>A]TTCTTCTTGAACATGCAGCTTTTTATCCTGCAGCAGAAACGGCATTTTAAGGGTGCTTCA-3'